The following is an entry in ClinVar:

ClinVar aggregate classification (germline): Uncertain significance (1 of 4 stars; one submission).

Allele frequency attached by ClinVar (database versions not stated): gnomAD exomes below 0.00001.
gnomAD v4.1: 2 of 1,595,230 alleles (0.00013%); highest among the groups gnomAD compares: Non-Finnish European, 0.00017%; no homozygotes.

Submission:

Labcorp Genetics (formerly Invitae), Labcorp
Classification: Uncertain significance. Last evaluated: 2022-09-01. Review status: criteria provided, single submitter. Criteria: Invitae Variant Classification Sherloc (09022015). Collection method: clinical testing. Allele origin: germline.
Comment: This variant has not been reported in the literature in individuals affected with ITGAM-related conditions. In summary, the available evidence is currently insufficient to determine the role of this variant in disease. Therefore, it has been classified as a Variant of Uncertain Significance. Algorithms developed to predict the effect of missense changes on protein structure and function output the following: SIFT: "Deleterious"; PolyPhen-2: "Benign"; Align-GVGD: "Class C65". The serine amino acid residue is found in multiple mammalian species, which suggests that this missense change does not adversely affect protein function. ClinVar contains an entry for this variant (Variation ID: 1487486). This variant is not present in population databases (gnomAD no frequency). This sequence change replaces alanine, which is neutral and non-polar, with serine, which is neutral and polar, at codon 501 of the ITGAM protein (p.Ala501Ser).

NM_000632.4(ITGAM):c.1501G>T (p.Ala501Ser)

Gene: ITGAM (integrin subunit alpha M; plus strand). Cytogenetic location: 16p11.2.
Variant type: single nucleotide variant.
Coding change: c.1501G>T on transcript NM_000632.4 (MANE Select); coding-DNA position 1501, G replaced by T.
Protein change: p.Ala501Ser; replaces alanine 501 with serine.
Molecular consequence: missense variant.
Genome position (GRCh38, 1-based): chr16:31,297,748, G>T. VCF-style: chr16-31297748-G-T. GRCh37 (hg19) VCF-style: chr16-31309069-G-T.
Other names: c.1504G>T, p.Ala502Ser (NM_001145808.2); short protein forms A501S, A502S.
Identifiers: ClinVar variation 1487486 (VCV001487486.8), dbSNP rs2144381520, ClinGen allele CA395669985.